The following is an entry in ClinVar:

ClinVar aggregate classification (germline): Uncertain significance. Review status: criteria provided, multiple submitters, no conflicts (2 of 4 stars). 2 submissions from 2 submitters: Uncertain significance (2). Last evaluated 2025-08-13.

Conditions:
Brain-lung-thyroid syndrome. Also called: Choreoathetosis, Congenital Hypothyroidism, and Neonatal Respiratory Distress Syndrome (Brain-Lung-Thyroid Syndrome); CHOREOATHETOSIS AND CONGENITAL HYPOTHYROIDISM WITH PULMONARY DYSFUNCTION; Choreoathetosis, congenital hypothyroidism, and neonatal respiratory distress. Identifiers: Orphanet 209905, MedGen C1970269, MONDO:0012593, OMIM 610978.

Submissions (2):

Labcorp Genetics (formerly Invitae), Labcorp
Classification: Uncertain significance. Last evaluated: 2025-08-13. Review status: criteria provided, single submitter. Criteria: Invitae Variant Classification Sherloc (09022015). Collection method: clinical testing. Allele origin: germline.
Comment: This variant, c.1146_1148del, results in the deletion of 1 amino acid(s) of the NKX2-1 protein (p.Ser383del), but otherwise preserves the integrity of the reading frame. This variant is present in population databases (no rsID available, gnomAD 0.02%). This variant has not been reported in the literature in individuals affected with NKX2-1-related conditions. Experimental studies and prediction algorithms are not available or were not evaluated, and the functional significance of this variant is currently unknown. In summary, the available evidence is currently insufficient to determine the role of this variant in disease. Therefore, it has been classified as a Variant of Uncertain Significance.

Johns Hopkins Genomics, Johns Hopkins University
Classification: Uncertain significance for Brain-lung-thyroid syndrome. Last evaluated: 2019-06-10. Review status: criteria provided, single submitter. Criteria: ACMG Guidelines, 2015. Collection method: clinical testing. Allele origin: germline.

NM_001079668.3(NKX2-1):c.1143CTC[1] (p.Ser383del)

Genes: NKX2-1 (NK2 homeobox 1; minus strand), SFTA3 (surfactant associated 3; minus strand). Cytogenetic location: 14q13.3.
Variant type: Microsatellite.
Coding change: c.1143CTC[1] on transcript NM_001079668.3 (MANE Select); one copy of the 3-base unit CTC starting at c.1143; the reference has two copies in a row; one copy, 3 bases deleted.
Protein change: p.Ser383del; deletes serine 383.
Molecular consequence: inframe deletion.
Genome position (GRCh38, 1-based): chr14:36,517,336-36,517,338, GAG deleted on the plus strand (CTC on the coding strand, the reverse complement: NKX2-1 is on the minus strand); deleting any 3 consecutive bases within chr14:36,517,336-36,517,341 gives the same sequence; the position shown is the placement nearest the transcript's 3' end. VCF-style (leftmost placement, unchanged base first): chr14-36517335-CGAG-C. GRCh37 (hg19) VCF-style: chr14-36986540-CGAG-C.
Other names: c.1053CTC[1], p.Ser353del (NM_003317.4); short protein forms S383del, S353del.
Identifiers: ClinVar variation 689466 (VCV000689466.4), dbSNP rs903233524, ClinGen allele CA258877802.